The following is an entry in ClinVar:

NM_001377.3(DYNC2H1):c.731C>T (p.Pro244Leu)

Gene: DYNC2H1 (dynein cytoplasmic 2 heavy chain 1; plus strand). Cytogenetic location: 11q22.3.
Variant type: single nucleotide variant.
Coding change: c.731C>T on transcript NM_001377.3 (MANE Select); coding-DNA position 731, C replaced by T.
Protein change: p.Pro244Leu; replaces proline 244 with leucine.
Molecular consequence: missense variant.
Genome position (GRCh38, 1-based): chr11:103,116,679, C>T. VCF-style: chr11-103116679-C-T. GRCh37 (hg19) VCF-style: chr11-102987408-C-T.
Other names: c.731C>T, p.Pro244Leu (NM_001080463.2); short protein forms P244L.
Identifiers: ClinVar variation 1498524 (VCV001498524.3), dbSNP rs768145132, ClinGen allele CA6252576.

ClinVar aggregate classification (germline): Uncertain significance (1 of 4 stars; one submission).

Conditions:
Jeune thoracic dystrophy. Also called: Jeune syndrome; Short-rib thoracic dysplasia; Infantile thoracic dystrophy; Thoracic pelvic phalangeal dystrophy; Jeune's syndrome; Chondroectodermal dysplasia-like syndrome. Identifiers: Orphanet 474, MedGen C0265275, MONDO:0018770.

Allele frequency attached by ClinVar (database versions not stated): gnomAD exomes below 0.00001 and 0.00001; ExAC 0.00001; TOPMed 0.00002.
gnomAD v4.1: 14 of 1,605,008 alleles (0.00087%); highest among the groups gnomAD compares: Non-Finnish European, 0.0012%; no homozygotes.

Submission:

Labcorp Genetics (formerly Invitae), Labcorp
Classification: Uncertain significance for Jeune thoracic dystrophy. Last evaluated: 2022-02-25. Review status: criteria provided, single submitter. Criteria: Invitae Variant Classification Sherloc (09022015). Collection method: clinical testing. Allele origin: germline.
Comment: This sequence change replaces proline, which is neutral and non-polar, with leucine, which is neutral and non-polar, at codon 244 of the DYNC2H1 protein (p.Pro244Leu). This variant is present in population databases (rs768145132, gnomAD 0.0009%). This variant has not been reported in the literature in individuals affected with DYNC2H1-related conditions. Algorithms developed to predict the effect of missense changes on protein structure and function (SIFT, PolyPhen-2, Align-GVGD) all suggest that this variant is likely to be disruptive. In summary, the available evidence is currently insufficient to determine the role of this variant in disease. Therefore, it has been classified as a Variant of Uncertain Significance.